The following is an entry in ClinVar:

ClinVar aggregate classification (germline): Uncertain significance (1 of 4 stars; one submission).

Conditions:
Dyskeratosis congenita, autosomal dominant 1 (DKCA1). Also called: Dyskeratosis congenita Scoggins type. Identifiers: Orphanet 1775, MedGen C4551974, MONDO:0007485, OMIM 127550. Inheritance: Variable.

Allele frequency attached by ClinVar (database versions not stated): gnomAD exomes below 0.00001.
gnomAD v4.1: 1 of 748,962 alleles (0.00013%); highest among the groups gnomAD compares: Non-Finnish European, 0.00024%; no homozygotes.

Submission:

Labcorp Genetics (formerly Invitae), Labcorp
Classification: Uncertain significance for Dyskeratosis congenita, autosomal dominant 1. Last evaluated: 2021-05-13. Review status: criteria provided, single submitter. Criteria: Invitae Variant Classification Sherloc (09022015). Collection method: clinical testing. Allele origin: germline.
Comment: This variant is not present in population databases (ExAC no frequency). This variant occurs in the TERC gene, which encodes an RNA molecule that does not result in a protein product. This variant has not been reported in the literature in individuals with TERC-related conditions. In summary, the available evidence is currently insufficient to determine the role of this variant in disease. Therefore, it has been classified as a Variant of Uncertain Significance. This variant is located within the BoxH/ACA scaRNA domain of the TERC RNA component, which is required for telomerase activity (PMID: 21844345). Functional studies testing the effect of this variant on TERC secondary structure or function have not been reported.

Literature cited by the submitters: PubMed 21844345.

NC_000003.12:g.169764657C>A

Gene: TERC (telomerase RNA component; minus strand). Cytogenetic location: 3q26.2.
Variant type: single nucleotide variant.
Genome position: GRCh38 VCF-style: chr3-169764657-C-A. GRCh37 (hg19) VCF-style: chr3-169482445-C-A.
Identifiers: ClinVar variation 1409182 (VCV001409182.8), dbSNP rs2108182785, ClinGen allele CA436714822.